The following is an entry in ClinVar:

NC_000019.9:g.(?_7694720)_(7712696_?)dup

Genes: PCP2 (Purkinje cell protein 2; minus strand), PET100 (PET100 cytochrome c oxidase chaperone; plus strand), STXBP2 (syntaxin binding protein 2; plus strand). Cytogenetic location: 19p13.2.
Variant type: Duplication.
Identifiers: ClinVar variation 1447846 (VCV001447846.7).

ClinVar aggregate classification (germline): Uncertain significance (1 of 4 stars; one submission).

Conditions:
Familial hemophagocytic lymphohistiocytosis 5. Also called: STXBP2-Related Familial Hemophagocytic Lymphohistiocytosis (STXBP2-fHLH). Identifiers: Orphanet 540, MedGen C2751293, MONDO:0013135, OMIM 613101.

Submission:

Labcorp Genetics (formerly Invitae), Labcorp
Classification: Uncertain significance for Familial hemophagocytic lymphohistiocytosis 5. Last evaluated: 2022-10-17. Review status: criteria provided, single submitter. Criteria: Invitae Variant Classification Sherloc (09022015). Collection method: clinical testing. Allele origin: germline.
Comment: A copy number gain of the genomic region encompassing the full coding sequence of the STXBP2 gene has been identified. The boundaries of this event are unknown as they extend beyond the assayed region for this gene and therefore may encompass additional genes. As the precise location of this event is unknown, it may be in tandem or it may be located elsewhere in the genome. This variant has not been reported in the literature in individuals affected with STXBP2-related conditions. In summary, the available evidence is currently insufficient to determine the role of this variant in disease. Therefore, it has been classified as a Variant of Uncertain Significance.